The following is an entry in ClinVar:

ClinVar aggregate classification (germline): Likely benign (1 of 4 stars; one submission).

Allele frequency attached by ClinVar (database versions not stated): gnomAD 0.00001 and 0.00002; TOPMed 0.00003; gnomAD exomes 0.00009; ExAC 0.00050.
gnomAD v4.1: 49 of 1,550,434 alleles (0.0032%); highest among the groups gnomAD compares: South Asian, 0.045%; 1 homozygote.

Submission:

Laboratory for Molecular Medicine, Mass General Brigham Personalized Medicine
Classification: Likely benign. Last evaluated: 2017-08-23. Review status: criteria provided, single submitter. Criteria: LMM Criteria. Collection method: clinical testing. Allele origin: germline. Observed: 1 variant allele.
Comment: p.Thr2601Thr in exon 46 of OTOG: This variant is not expected to have clinical s ignificance because it does not alter an amino acid residue and is not located w ithin the splice consensus sequence. It has been identified in 0.09% (7/7666) of South Asian chromosomes by the Exome Aggregation Consortium (ExAC.; dbSNP rs748617558).

NM_001292063.2(OTOG):c.7767G>A (p.Thr2589=)

Gene: OTOG (otogelin; plus strand). Cytogenetic location: 11p15.1.
Variant type: single nucleotide variant.
Coding change: c.7767G>A on transcript NM_001292063.2 (MANE Select); coding-DNA position 7767, G replaced by A.
Protein change: p.Thr2589=; no amino-acid change (threonine 2589 retained).
Molecular consequence: synonymous variant.
Genome position (GRCh38, 1-based): chr11:17,635,683, G>A. VCF-style: chr11-17635683-G-A. GRCh37 (hg19) VCF-style: chr11-17657230-G-A.
Other names: c.7803G>A, p.Thr2601= (NM_001277269.2).
Identifiers: ClinVar variation 666737 (VCV000666737.4), dbSNP rs748617558, ClinGen allele CA5906174.